The following is an entry in ClinVar:

NM_001041.4(SI):c.3055C>T (p.Arg1019Cys)

Gene: SI (sucrase-isomaltase; minus strand). Cytogenetic location: 3q26.1.
Variant type: single nucleotide variant.
Coding change: c.3055C>T on transcript NM_001041.4 (MANE Select); coding-DNA position 3055, C replaced by T.
Protein change: p.Arg1019Cys; replaces arginine 1019 with cysteine.
Molecular consequence: missense variant.
Genome position (GRCh38, 1-based): chr3:165,023,614, G>A on the plus strand (C>T on the coding strand, the complement: SI is on the minus strand). VCF-style: chr3-165023614-G-A. GRCh37 (hg19) VCF-style: chr3-164741402-G-A.
Other names: short protein forms R1019C.
Identifiers: ClinVar variation 344033 (VCV000344033.8), dbSNP rs756776020, ClinGen allele CA2690409.

ClinVar aggregate classification (germline): Uncertain significance. Review status: criteria provided, multiple submitters, no conflicts (2 of 4 stars). 3 submissions from 3 submitters: Uncertain significance (3). Last evaluated 2025-11-04.

Conditions:
Sucrase-isomaltase deficiency (CSID). Also called: SI DEFICIENCY; Deficiency of isomaltase; Congenital sucrose isomaltose malabsorption; Sucrose isomaltose enzyme deficiency. Identifiers: Orphanet 35122, MedGen C1283620, MONDO:0009114, OMIM 222900.

Allele frequency attached by ClinVar (database versions not stated): gnomAD 0.00001; TOPMed 0.00001; ExAC 0.00002; gnomAD exomes 0.00002.
gnomAD v4.1: 24 of 1,610,530 alleles (0.0015%); highest among the groups gnomAD compares: Non-Finnish European, 0.0019%; no homozygotes.

Submissions (3):

Labcorp Genetics (formerly Invitae), Labcorp
Classification: Uncertain significance. Last evaluated: 2025-11-04. Review status: criteria provided, single submitter. Criteria: Invitae Variant Classification Sherloc (09022015). Collection method: clinical testing. Allele origin: germline.
Comment: This sequence change replaces arginine, which is basic and polar, with cysteine, which is neutral and slightly polar, at codon 1019 of the SI protein (p.Arg1019Cys). This variant is present in population databases (rs756776020, gnomAD 0.004%). This variant has not been reported in the literature in individuals affected with SI-related conditions. ClinVar contains an entry for this variant (Variation ID: 344033). Invitae Evidence Modeling of protein sequence and biophysical properties (such as structural, functional, and spatial information, amino acid conservation, physicochemical variation, residue mobility, and thermodynamic stability) has been performed for this missense variant. However, the output from this modeling did not meet the statistical confidence thresholds required to predict the impact of this variant on SI protein function. In summary, the available evidence is currently insufficient to determine the role of this variant in disease. Therefore, it has been classified as a Variant of Uncertain Significance.

Fulgent Genetics
Classification: Uncertain significance for Sucrase-isomaltase deficiency. Last evaluated: 2024-03-07. Review status: criteria provided, single submitter. Criteria: ACMG Guidelines, 2015. Collection method: clinical testing. Allele origin: germline.

Illumina Laboratory Services, Illumina
Classification: Uncertain significance for Sucrase-isomaltase deficiency. Last evaluated: 2018-01-12. Review status: criteria provided, single submitter. Criteria: ICSL Variant Classification Criteria 13 December 2019. Collection method: clinical testing. Allele origin: germline.